The following is an entry in ClinVar:

ClinVar aggregate classification (germline): Uncertain significance. Review status: criteria provided, multiple submitters, no conflicts (2 of 4 stars). 3 submissions from 3 submitters: Uncertain significance (3). Last evaluated 2026-02-03.

Conditions:
Cornelia de Lange syndrome 5 (CDLS5). Also called: HDAC8-Related Cornelia de Lange Syndrome. Identifiers: Orphanet 199, MedGen C3550903, MONDO:0010471, OMIM 300882.

Submissions (3):

Dasa
Classification: Uncertain significance. Last evaluated: 2026-02-03. Review status: criteria provided, single submitter. Criteria: DASA Assertion Criteria. Collection method: clinical testing. Allele origin: germline.
Comment: NM_018486.3(HDAC8):c.1019A>G (p.Tyr340Cys) is a missense variant that results in the substitution of tyrosine with cysteine. The affected residue or protein region has prior evidence supporting clinical relevance. This variant is rare in population databases. Computational prediction algorithms are consistent with a deleterious effect. The currently available literature and clinical evidence are not sufficient to establish a definitive association between this variant and the reported condition. Therefore, this variant is classified as a variant of uncertain significance.

GeneDx
Classification: Uncertain significance. Last evaluated: 2019-06-24. Review status: criteria provided, single submitter. Criteria: GeneDx Variant Classification Process June 2021. Collection method: clinical testing. Allele origin: germline. Affected: yes.
Comment: Not observed in large population cohorts (Lek et al., 2016); In silico analysis, which includes protein predictors and evolutionary conservation, supports a deleterious effect; Has not been previously published as pathogenic or benign to our knowledge

Mendelics
Classification: Uncertain significance for Cornelia de Lange syndrome 5. Last evaluated: 2019-05-28. Review status: criteria provided, single submitter. Criteria: Mendelics Assertion Criteria 2017. Collection method: clinical testing. Allele origin: unknown.

NM_018486.3(HDAC8):c.1019A>G (p.Tyr340Cys)

Gene: HDAC8 (histone deacetylase 8; minus strand). Cytogenetic location: Xq13.1.
Variant type: single nucleotide variant.
Coding change: c.1019A>G on transcript NM_018486.3 (MANE Select); coding-DNA position 1019, A replaced by G.
Protein change: p.Tyr340Cys; replaces tyrosine 340 with cysteine.
Molecular consequence: missense variant. On other transcripts: non-coding transcript variant (1).
Genome position (GRCh38, 1-based): chrX:72,351,825, T>C on the plus strand (A>G on the coding strand, the complement: HDAC8 is on the minus strand). VCF-style: chrX-72351825-T-C. GRCh37 (hg19) VCF-style: chrX-71571675-T-C.
Other names: c.746A>G, p.Tyr249Cys (NM_001166418.2); short protein forms Y340C, Y249C.
Identifiers: ClinVar variation 804028 (VCV000804028.5), dbSNP rs1555949010, ClinGen allele CA413638535.